The following is an entry in ClinVar:

NM_000384.3(APOB):c.13586A>G (p.His4529Arg)

Genes: APOB (apolipoprotein B; minus strand), APOB3'MAR (APOB 3' scaffold/matrix attachment region; plus strand). Cytogenetic location: 2p24.1.
Variant type: single nucleotide variant.
Coding change: c.13586A>G on transcript NM_000384.3 (MANE Select); coding-DNA position 13586, A replaced by G.
Protein change: p.His4529Arg; replaces histidine 4529 with arginine.
Molecular consequence: missense variant.
Genome position (GRCh38, 1-based): chr2:21,001,836, T>C on the plus strand (A>G on the coding strand, the complement: APOB is on the minus strand). VCF-style: chr2-21001836-T-C. GRCh37 (hg19) VCF-style: chr2-21224708-T-C.
Other names: short protein forms H4529R.
Identifiers: ClinVar variation 630644 (VCV000630644.11), dbSNP rs958014928, ClinGen allele CA43487422.
Genomic context (GRCh38, chr2:21,001,836, plus strand): 5'-TTCATGACTGTGGTTGATTGCAGCTTTTTCAGTAACTCCGTGATGTATATCAGAAATGTG[T>C]GGTAGTTTTGAATGGACAGGTCAATCAATCTTTTGGATTCAGCAATAAATTTTTCATAGT-3'
Protein context (NP_000375.3, residues 4519-4539): RLIDLSIQNY[His4529Arg]TFLIYITELL

ClinVar aggregate classification (germline): Conflicting classifications of pathogenicity. Review status: criteria provided, conflicting classifications (1 of 4 stars). 4 submissions from 4 submitters: Uncertain significance (3); Likely benign (1). Last evaluated 2026-02-24.

Conditions:
Cardiovascular phenotype. Identifiers: MedGen CN230736.
Hypercholesterolemia, autosomal dominant, type B (FHCL2). Also called: APOB-Related Familial Hypercholesterolemia, Autosomal Dominant; Hyperlipoproteinemia Type IIb; Familial Hypercholesterolemia Type B; APOLIPOPROTEIN B-100, FAMILIAL DEFECTIVE; APOLIPOPROTEIN B-100, FAMILIAL LIGAND-DEFECTIVE; Familial hypercholesterolemia 2. Identifiers: MedGen C1704417, MONDO:0007751, OMIM 144010.
Familial hypobetalipoproteinemia 1. Also called: APOB-Related Familial Hypobetalipoproteinemia; Hypobetalipoproteinemia, normotriglyceridemic; Acanthocytosis with hypobetalipoproteinemia. Identifiers: MedGen C4551990, MONDO:0014252, OMIM 615558.
Familial hypercholesterolemia. Also called: Familial hypercholesterolemias; Familial hypercholesterolaemia. Identifiers: MedGen C0020445, MONDO:0005439.

Allele frequency attached by ClinVar (database versions not stated): gnomAD exomes 0.00002 and 0.00006; TOPMed 0.00002; gnomAD 0.00003.

Submissions (4):

Ambry Genetics
Classification: Uncertain significance for Cardiovascular phenotype. Last evaluated: 2026-02-24. Review status: criteria provided, single submitter. Criteria: Ambry Variant Classification Scheme 2023. Collection method: clinical testing. Allele origin: germline.

Labcorp Genetics (formerly Invitae), Labcorp
Classification: Likely benign for Familial hypobetalipoproteinemia 1; Hypercholesterolemia, autosomal dominant, type B. Last evaluated: 2025-11-24. Review status: criteria provided, single submitter. Criteria: Invitae Variant Classification Sherloc (09022015). Collection method: clinical testing. Allele origin: germline.

Fulgent Genetics
Classification: Uncertain significance for Hypercholesterolemia, autosomal dominant, type B; Familial hypobetalipoproteinemia 1. Last evaluated: 2021-08-31. Review status: criteria provided, single submitter. Criteria: ACMG Guidelines, 2015. Collection method: clinical testing. Allele origin: unknown.

Color Diagnostics, LLC DBA Color Health
Classification: Uncertain significance for Familial hypercholesterolemia. Last evaluated: 2019-03-28. Review status: criteria provided, single submitter. Criteria: ACMG Guidelines, 2015. Collection method: clinical testing. Allele origin: germline.
Comment: Variant of Uncertain Significance due to insufficient evidence: This variant (also known as p.His4502Arg in the mature protein) is a missense variant located in the alpha 3 domain of the APOB protein. Computational prediction tools and conservation analyses suggest that this variant may not impact the protein function. Computational splicing tools suggest that this variant may not impact the RNA splicing. To our knowledge, functional assays have not been performed for this variant nor has the variant been reported in individuals affected with familial hypercholesterolemia in the literature. This variant has not been identified in the general population by the Genome Aggregation Database (gnomAD). Available evidence is insufficient to determine the role of this variant in disease conclusively.